The following is an entry in ClinVar:

NM_053025.4(MYLK):c.2352G>A (p.Val784=)

Gene: MYLK (myosin light chain kinase; minus strand). Cytogenetic location: 3q21.1.
Variant type: single nucleotide variant.
Coding change: c.2352G>A on transcript NM_053025.4 (MANE Select); coding-DNA position 2352, G replaced by A.
Protein change: p.Val784=; no amino-acid change (valine 784 retained).
Molecular consequence: synonymous variant.
Genome position (GRCh38, 1-based): chr3:123,707,792, C>T on the plus strand (G>A on the coding strand, the complement: MYLK is on the minus strand). VCF-style: chr3-123707792-C-T. GRCh37 (hg19) VCF-style: chr3-123426639-C-T.
Other names: c.1824G>A, p.Val608= (NM_001321309.2); c.2145G>A, p.Val715= (NM_053026.4, NM_053028.4); c.2352G>A, p.Val784= (NM_053027.4).
Identifiers: ClinVar variation 2744347 (VCV002744347.3), dbSNP rs2474286284, ClinGen allele CA435302998.
Genomic context (GRCh38, chr3:123,707,792, plus strand): 5'-CTGGCTGGACATGCAGACTCACTTGAGCAGGATCTCATACTGGCCGGCATGCCAGGGCTG[C>T]ACCTTCTTTAGAACCAGGGTGAACACGTCCTCATTCTGAAGCACCTCGAAGTGGCCAGTG-3'
Protein context (NP_444253.3, residues 774-794): EDVFTLVLKK[Val784=]QPWHAGQYEI

ClinVar aggregate classification (germline): Uncertain significance (1 of 4 stars; one submission).

Conditions:
Aortic aneurysm, familial thoracic 7 (AAT7). Also called: AORTIC DISSECTION, FAMILIAL, WITH OR WITHOUT AORTIC ANEURYSM. Identifiers: MedGen C3151077, MONDO:0013418, OMIM 613780.

Submission:

Labcorp Genetics (formerly Invitae), Labcorp
Classification: Uncertain significance for Aortic aneurysm, familial thoracic 7. Last evaluated: 2023-07-17. Review status: criteria provided, single submitter. Criteria: Invitae Variant Classification Sherloc (09022015). Collection method: clinical testing. Allele origin: germline.
Comment: This variant has not been reported in the literature in individuals affected with MYLK-related conditions. This sequence change affects codon 784 of the MYLK mRNA. It is a 'silent' change, meaning that it does not change the encoded amino acid sequence of the MYLK protein. This variant is not present in population databases (gnomAD no frequency). Algorithms developed to predict the effect of sequence changes on RNA splicing suggest that this variant may disrupt the consensus splice site. In summary, the available evidence is currently insufficient to determine the role of this variant in disease. Therefore, it has been classified as a Variant of Uncertain Significance.